The following is an entry in ClinVar:

ClinVar aggregate classification (germline): Likely benign. Review status: criteria provided, single submitter (1 of 4 stars). 2 submissions from 2 submitters: Likely benign (1). 1 of the submissions does not count toward it. Last evaluated 2018-07-19.

Conditions:
CNTN3-related disorder. Also called: CNTN3-related condition.

Allele frequency attached by ClinVar (database versions not stated): gnomAD exomes 0.00028; ExAC 0.00043; 1000 Genomes Project 30x 0.00062; 1000 Genomes Project 0.00080; gnomAD 0.00113 and 0.00125; TOPMed 0.00133; ESP Exome Variant Server 0.00146.
gnomAD v4.1: 363 of 1,605,644 alleles (0.023%); highest among the groups gnomAD compares: African/African-American, 0.46%; no homozygotes.

Submissions (2):

Labcorp Genetics (formerly Invitae), Labcorp
Classification: Likely benign. Last evaluated: 2018-07-19. Review status: criteria provided, single submitter. Criteria: Invitae Variant Classification Sherloc (09022015). Collection method: clinical testing. Allele origin: germline.

PreventionGenetics, part of Exact Sciences
Classification: Likely benign for CNTN3-related condition. Last evaluated: 2022-06-01. Review status: no assertion criteria provided. Collection method: clinical testing. Allele origin: germline. Not counted in ClinVar's aggregate classification.
Comment: This variant is classified as likely benign based on ACMG/AMP sequence variant interpretation guidelines (Richards et al. 2015 PMID: 25741868, with internal and published modifications).

NM_020872.3(CNTN3):c.223C>G (p.His75Asp)

Gene: CNTN3 (contactin 3; minus strand). Cytogenetic location: 3p12.3.
Variant type: single nucleotide variant.
Coding change: c.223C>G on transcript NM_020872.3 (MANE Select); coding-DNA position 223, C replaced by G.
Protein change: p.His75Asp; replaces histidine 75 with aspartic acid.
Molecular consequence: missense variant.
Genome position (GRCh38, 1-based): chr3:74,486,591, G>C on the plus strand (C>G on the coding strand, the complement: CNTN3 is on the minus strand). VCF-style: chr3-74486591-G-C. GRCh37 (hg19) VCF-style: chr3-74535742-G-C.
Other names: c.223C>G, p.His75Asp (NM_001393376.1); short protein forms H75D.
Identifiers: ClinVar variation 786503 (VCV000786503.5), dbSNP rs151030773, ClinGen allele CA2495554.